The following is an entry in ClinVar:

NM_020911.2(PLXNA4):c.5584G>A (p.Glu1862Lys)

Gene: PLXNA4 (plexin A4; minus strand). Cytogenetic location: 7q32.3.
Variant type: single nucleotide variant.
Coding change: c.5584G>A on transcript NM_020911.2 (MANE Select); coding-DNA position 5584, G replaced by A.
Protein change: p.Glu1862Lys; replaces glutamic acid 1862 with lysine.
Molecular consequence: missense variant.
Genome position (GRCh38, 1-based): chr7:132,133,054, C>T on the plus strand (G>A on the coding strand, the complement: PLXNA4 is on the minus strand). VCF-style: chr7-132133054-C-T. GRCh37 (hg19) VCF-style: chr7-131817813-C-T.
Other names: c.5584G>A, p.Glu1862Lys (NM_001393897.1); short protein forms E1862K.
Identifiers: ClinVar variation 3353304 (VCV003353304.1).

ClinVar aggregate classification (germline): Uncertain significance (0 of 4 stars; one submission).

Conditions:
PLXNA4-related disorder. Also called: PLXNA4-related condition.

gnomAD v4.1: 24 of 1,613,644 alleles (0.0015%); highest among the groups gnomAD compares: East Asian, 0.0067%; 1 homozygote.

Submission:

PreventionGenetics, part of Exact Sciences
Classification: Uncertain significance for PLXNA4-related condition. Last evaluated: 2024-07-01. Review status: no assertion criteria provided. Collection method: clinical testing. Allele origin: germline.
Comment: The PLXNA4 c.5584G>A variant is predicted to result in the amino acid substitution p.Glu1862Lys. To our knowledge, this variant has not been reported in the literature. This variant is reported in 0.033% of alleles in individuals of East Asian descent in gnomAD. At this time, the clinical significance of this variant is uncertain due to the absence of conclusive functional and genetic evidence.